The following is an entry in ClinVar:

NM_000059.4(BRCA2):c.2924T>C (p.Ile975Thr)

Gene: BRCA2 (BRCA2 DNA repair associated; plus strand). Cytogenetic location: 13q13.1.
Variant type: single nucleotide variant.
Coding change: c.2924T>C on transcript NM_000059.4 (MANE Select); coding-DNA position 2924, T replaced by C.
Protein change: p.Ile975Thr; replaces isoleucine 975 with threonine.
Molecular consequence: missense variant.
Genome position (GRCh38, 1-based): chr13:32,337,279, T>C. VCF-style: chr13-32337279-T-C. GRCh37 (hg19) VCF-style: chr13-32911416-T-C.
Other names: short protein forms I975T.
Identifiers: ClinVar variation 234788 (VCV000234788.8), dbSNP rs398122756, ClinGen allele CA10577466.

ClinVar aggregate classification (germline): Conflicting classifications of pathogenicity. Review status: criteria provided, conflicting classifications (1 of 4 stars). 3 submissions from 3 submitters: Uncertain significance (2); Likely benign (1). Last evaluated 2023-03-23.

Conditions:
Hereditary cancer-predisposing syndrome. Also called: Hereditary neoplastic syndrome; Hereditary Cancer Syndrome; Neoplastic Syndromes, Hereditary; Tumor predisposition. Identifiers: Orphanet 140162, MedGen C0027672, MeSH D009386, MONDO:0015356.

Submissions (3):

University of Washington Department of Laboratory Medicine, University of Washington
Classification: Likely benign for Hereditary cancer-predisposing syndrome. Last evaluated: 2023-03-23. Review status: criteria provided, single submitter. Criteria: Dines et al. (Genet Med. 2020). Collection method: curation. Allele origin: germline.
Comment: Missense variant in a coldspot region where missense variants are very unlikely to be pathogenic (PMID:31911673).

BRCA2 exon 11 coldspot. Reclassification based on statistical prior probability.

Ambry Genetics
Classification: Uncertain significance for Hereditary cancer-predisposing syndrome. Last evaluated: 2021-01-07. Review status: criteria provided, single submitter. Criteria: Ambry Variant Classification Scheme 2023. Collection method: clinical testing. Allele origin: germline.
Comment: The p.I975T variant (also known as c.2924T>C), located in coding exon 10 of the BRCA2 gene, results from a T to C substitution at nucleotide position 2924. The isoleucine at codon 975 is replaced by threonine, an amino acid with similar properties. This amino acid position is poorly conserved in available vertebrate species. In addition, this alteration is predicted to be tolerated by in silico analysis. Since supporting evidence is limited at this time, the clinical significance of this alteration remains unclear.

GeneDx
Classification: Uncertain significance. Last evaluated: 2016-01-20. Review status: criteria provided, single submitter. Criteria: GeneDx Variant Classification (06012015). Collection method: clinical testing. Allele origin: germline. Affected: yes.
Comment: This variant is denoted BRCA2 c.2924T>C at the cDNA level, p.Ile975Thr (I975T) at the protein level, and results in the change of an Isoleucine to a Threonine (ATC>ACC). Using alternate nomenclature, this variant would be defined as BRCA2 3152T>C. This variant has not, to our knowledge, been published in the literature as pathogenic or benign. BRCA2 Ile975Thr was not observed in approximately 6,500 individuals of European and African American ancestry in the NHLBI Exome Sequencing Project, suggesting it is not a common benign variant in these populations. Since Isoleucine and Threonine differ in polarity, charge, size or other properties, this is considered a non-conservative amino acid substitution. BRCA2 Ile975Thr occurs at a position that is not conserved and is located in the region of interaction with NPM1 (Uniprot). In silico analyses predict that this variant is unlikely to alter protein structure or function. Based on currently available evidence, it is unclear whether BRCA2 Ile975Thr is a pathogenic or benign variant. We consider it to be a variant of uncertain significance.